The following is an entry in ClinVar:

NM_000883.4(IMPDH1):c.1164C>T (p.Asn388=)

Gene: IMPDH1 (inosine monophosphate dehydrogenase 1; minus strand). Cytogenetic location: 7q32.1.
Variant type: single nucleotide variant.
Coding change: c.1164C>T on transcript NM_000883.4 (MANE Select); coding-DNA position 1164, C replaced by T.
Protein change: p.Asn388=; no amino-acid change (asparagine 388 retained).
Molecular consequence: synonymous variant.
Genome position (GRCh38, 1-based): chr7:128,396,933, G>A on the plus strand (C>T on the coding strand, the complement: IMPDH1 is on the minus strand). VCF-style: chr7-128396933-G-A. GRCh37 (hg19) VCF-style: chr7-128036987-G-A.
Other names: c.1134C>T, p.Asn378= (NM_001102605.2); c.909C>T, p.Asn303= (NM_001142573.2); c.894C>T, p.Asn298= (NM_001142574.2); c.834C>T, p.Asn278= (NM_001142575.2); c.1065C>T, p.Asn355= (NM_001142576.2); c.957C>T, p.Asn319= (NM_001304521.2); c.1056C>T, p.Asn352= (NM_183243.3); c.1164C>T (NM_000883.3).
Identifiers: ClinVar variation 1447594 (VCV001447594.9), dbSNP rs149603914, ClinGen allele CA4470925.

ClinVar aggregate classification (germline): Conflicting classifications of pathogenicity. Review status: criteria provided, conflicting classifications (1 of 4 stars). 3 submissions from 3 submitters: Uncertain significance (1); Likely benign (1). 1 of the submissions does not count toward it. Last evaluated 2025-01-11.

Conditions:
IMPDH1-related disorder. Also called: IMPDH1-related disorders; IMPDH1-related condition.

Allele frequency attached by ClinVar (database versions not stated): TOPMed 0.00003; ExAC 0.00004; gnomAD 0.00004; gnomAD exomes 0.00004; ESP Exome Variant Server 0.00008.
gnomAD v4.1: 58 of 1,610,690 alleles (0.0036%); highest among the groups gnomAD compares: South Asian, 0.0066%; no homozygotes.

Submissions (3):

Labcorp Genetics (formerly Invitae), Labcorp
Classification: Uncertain significance. Last evaluated: 2025-01-11. Review status: criteria provided, single submitter. Criteria: Invitae Variant Classification Sherloc (09022015). Collection method: clinical testing. Allele origin: germline.
Comment: This sequence change affects codon 388 of the IMPDH1 mRNA. It is a 'silent' change, meaning that it does not change the encoded amino acid sequence of the IMPDH1 protein. It affects a nucleotide within the consensus splice site. This variant is present in population databases (rs149603914, gnomAD 0.008%). This variant has been observed in individual(s) with clinical features of retinitis pigmentosa (internal data). ClinVar contains an entry for this variant (Variation ID: 1447594). Algorithms developed to predict the effect of sequence changes on RNA splicing suggest that this variant is not likely to affect RNA splicing. In summary, the available evidence is currently insufficient to determine the role of this variant in disease. Therefore, it has been classified as a Variant of Uncertain Significance.

Blueprint Genetics
Classification: Likely benign. Last evaluated: 2024-08-29. Review status: criteria provided, single submitter. Criteria: ACMG Guidelines, 2015. Collection method: clinical testing. Allele origin: germline.

PreventionGenetics, part of Exact Sciences
Classification: Likely benign for IMPDH1-related condition. Last evaluated: 2019-07-22. Review status: no assertion criteria provided. Collection method: clinical testing. Allele origin: germline. Not counted in ClinVar's aggregate classification.
Comment: This variant is classified as likely benign based on ACMG/AMP sequence variant interpretation guidelines (Richards et al. 2015 PMID: 25741868, with internal and published modifications).